The following is an entry in ClinVar:

NM_003106.4(SOX2):c.58GGC[5] (p.Gly23dup)

Genes: SOX2 (SRY-box transcription factor 2; plus strand), SOX2-OT (SOX2 overlapping transcript; plus strand), LOC108281177 (SOX2 5' regulatory region; plus strand). Cytogenetic location: 3q26.33.
Variant type: Microsatellite.
Coding change: c.58GGC[5] on transcript NM_003106.4 (MANE Select); five copies in a row of the 3-base unit GGC starting at c.58; the reference has four copies in a row; one copy, 3 bases duplicated.
Protein change: p.Gly23dup; duplicates glycine 23.
Molecular consequence: inframe insertion.
Genome position (GRCh38, 1-based): chr3:181,712,427-181,712,429, GGC duplicated; duplicating any 3 consecutive bases within chr3:181,712,418-181,712,429 gives the same sequence; the position shown is the placement nearest the transcript's 3' end. VCF-style (leftmost placement, unchanged base first): chr3-181712417-G-GGGC. GRCh37 (hg19) VCF-style: chr3-181430205-G-GGGC.
Identifiers: ClinVar variation 986765 (VCV000986765.1), dbSNP rs1560264163, ClinGen allele CA548798895.

ClinVar aggregate classification (germline): Uncertain significance (0 of 4 stars; one submission).

Conditions:
Anophthalmia/microphthalmia-esophageal atresia syndrome (MCOPS3). Also called: MICROPHTHALMIA AND ESOPHAGEAL ATRESIA SYNDROME; AEG SYNDROME; SOX2 Disorder. Identifiers: Orphanet 77298, MedGen C1859773, MONDO:0008799, OMIM 206900.

Submission:

Anophthalmia/Microphthalmia Research Registry, Einstein Medical Center Philadelphia
Classification: Uncertain significance for Anophthalmia/microphthalmia-esophageal atresia syndrome. Review status: no assertion criteria provided. Collection method: research. Allele origin: germline. Inheritance: Autosomal dominant inheritance. Affected: yes. Observed: 1 variant allele. Segregation with disease not observed.